The following is an entry in ClinVar:

NM_004836.7(EIF2AK3):c.935T>C (p.Val312Ala)

Gene: EIF2AK3 (eukaryotic translation initiation factor 2 alpha kinase 3; minus strand). Cytogenetic location: 2p11.2.
Variant type: single nucleotide variant.
Coding change: c.935T>C on transcript NM_004836.7 (MANE Select); coding-DNA position 935, T replaced by C.
Protein change: p.Val312Ala; replaces valine 312 with alanine.
Molecular consequence: missense variant.
Genome position (GRCh38, 1-based): chr2:88,590,885, A>G on the plus strand (T>C on the coding strand, the complement: EIF2AK3 is on the minus strand). VCF-style: chr2-88590885-A-G. GRCh37 (hg19) VCF-style: chr2-88890403-A-G.
Other names: c.482T>C, p.Val161Ala (NM_001313915.2); short protein forms V312A, V161A.
Identifiers: ClinVar variation 1994052 (VCV001994052.4), dbSNP rs1674872206, ClinGen allele CA347595876.

ClinVar aggregate classification (germline): Uncertain significance (1 of 4 stars; one submission).

Allele frequency attached by ClinVar (database versions not stated): gnomAD 0.00001; TOPMed 0.00001.
gnomAD v4.1: 1 of 1,613,914 alleles (0.000062%); highest among the groups gnomAD compares: African/African-American, 0.0013%; no homozygotes.

Submission:

Labcorp Genetics (formerly Invitae), Labcorp
Classification: Uncertain significance. Last evaluated: 2022-05-13. Review status: criteria provided, single submitter. Criteria: Invitae Variant Classification Sherloc (09022015). Collection method: clinical testing. Allele origin: germline.
Comment: Algorithms developed to predict the effect of missense changes on protein structure and function are either unavailable or do not agree on the potential impact of this missense change (SIFT: "Deleterious"; PolyPhen-2: "Benign"; Align-GVGD: "Class C25"). In summary, the available evidence is currently insufficient to determine the role of this variant in disease. Therefore, it has been classified as a Variant of Uncertain Significance. This variant has not been reported in the literature in individuals affected with EIF2AK3-related conditions. This variant is not present in population databases (gnomAD no frequency). This sequence change replaces valine, which is neutral and non-polar, with alanine, which is neutral and non-polar, at codon 312 of the EIF2AK3 protein (p.Val312Ala).